The following is an entry in ClinVar:

NM_001243177.4(ALDOA):c.425C>T (p.Ala142Val)

Genes: ALDOA (aldolase, fructose-bisphosphate A; plus strand), LOC112694756 (uncharaterized LOC112694756; plus strand). Cytogenetic location: 16p11.2.
Variant type: single nucleotide variant.
Coding change: c.425C>T on transcript NM_001243177.4 (MANE Select); coding-DNA position 425, C replaced by T.
Protein change: p.Ala142Val; replaces alanine 142 with valine.
Molecular consequence: missense variant. On other transcripts: 3 prime UTR variant (3).
Genome position (GRCh38, 1-based): chr16:30,067,600, C>T. VCF-style: chr16-30067600-C-T. GRCh37 (hg19) VCF-style: chr16-30078921-C-T.
Other names: c.*772C>T (NM_001365304.2, NM_001365305.2, NM_001365307.2); c.263C>T, p.Ala88Val (NM_001127617.2, NM_184041.5, NM_184043.2); short protein forms A142V, A88V.
Identifiers: ClinVar variation 1934970 (VCV001934970.7), dbSNP rs1385792025, ClinGen allele CA395486856.

ClinVar aggregate classification (germline): Uncertain significance. Review status: criteria provided, multiple submitters, no conflicts (2 of 4 stars). 2 submissions from 2 submitters: Uncertain significance (2). Last evaluated 2023-08-14.

Conditions:
HNSHA due to aldolase A deficiency (GSD12). Also called: GLYCOGEN STORAGE DISEASE XII; GSD XII; RED CELL ALDOLASE DEFICIENCY; Glycogen storage disease due to aldolase A deficiency. Identifiers: Orphanet 57, MedGen C0272066, MONDO:0012747, OMIM 611881.

Allele frequency attached by ClinVar (database versions not stated): gnomAD exomes below 0.00001; gnomAD 0.00002; TOPMed 0.00003.
gnomAD v4.1: 10 of 1,613,964 alleles (0.00062%); highest among the groups gnomAD compares: Admixed American, 0.0033%; no homozygotes.

Submissions (2):

Labcorp Genetics (formerly Invitae), Labcorp
Classification: Uncertain significance for HNSHA due to aldolase A deficiency. Last evaluated: 2023-08-14. Review status: criteria provided, single submitter. Criteria: Invitae Variant Classification Sherloc (09022015). Collection method: clinical testing. Allele origin: germline.
Comment: This sequence change replaces alanine, which is neutral and non-polar, with valine, which is neutral and non-polar, at codon 88 of the ALDOA protein (p.Ala88Val). This variant is present in population databases (no rsID available, gnomAD 0.0009%). This variant has not been reported in the literature in individuals affected with ALDOA-related conditions. ClinVar contains an entry for this variant (Variation ID: 1934970). An algorithm developed to predict the effect of missense changes on protein structure and function (PolyPhen-2) suggests that this variant is likely to be tolerated. Algorithms developed to predict the effect of sequence changes on RNA splicing suggest that this variant may create or strengthen a splice site. In summary, the available evidence is currently insufficient to determine the role of this variant in disease. Therefore, it has been classified as a Variant of Uncertain Significance.

Revvity Omics, Revvity
Classification: Uncertain significance for HNSHA due to aldolase A deficiency. Last evaluated: 2023-03-08. Review status: criteria provided, single submitter. Criteria: ACMG Guidelines, 2015. Collection method: clinical testing. Allele origin: germline.